The following is an entry in ClinVar:

NM_001458.5(FLNC):c.6727+19del

Genes: FLNC (filamin C; plus strand), FLNC-AS1 (FLNC antisense RNA 1; minus strand). Cytogenetic location: 7q32.1.
Variant type: Deletion.
Coding change: c.6727+19del on transcript NM_001458.5 (MANE Select); 19 bases into the intron after coding-DNA position 6727, one base deleted (G; older notation c.6727+19delG).
Molecular consequence: intron variant.
Genome position (GRCh38, 1-based): chr7:128,854,235, G deleted; the last of 3 consecutive G bases (chr7:128,854,233-128,854,235); deleting any one gives the same sequence. VCF-style (leftmost placement, unchanged base first): chr7-128854232-TG-T. GRCh37 (hg19) VCF-style: chr7-128494286-TG-T.
Other names: c.6727+19delG (NM_001458.4); c.6628+19del (NM_001127487.2).
Identifiers: ClinVar variation 515047 (VCV000515047.1), dbSNP rs1554401319, ClinGen allele CA658797005.

ClinVar aggregate classification (germline): Likely benign (1 of 4 stars; one submission).

Submission:

GeneDx
Classification: Likely benign. Last evaluated: 2018-02-01. Review status: criteria provided, single submitter. Criteria: GeneDx Variant Classification (06012015). Collection method: clinical testing. Allele origin: germline. Affected: yes.
Comment: This variant is considered likely benign or benign based on one or more of the following criteria: it is a conservative change, it occurs at a poorly conserved position in the protein, it is predicted to be benign by multiple in silico algorithms, and/or has population frequency not consistent with disease.